The following is an entry in ClinVar:

NM_001370259.2(MEN1):c.320C>T (p.Pro107Leu)

Gene: MEN1 (menin 1; minus strand). Cytogenetic location: 11q13.1.
Variant type: single nucleotide variant.
Coding change: c.320C>T on transcript NM_001370259.2 (MANE Select); coding-DNA position 320, C replaced by T.
Protein change: p.Pro107Leu; replaces proline 107 with leucine.
Molecular consequence: missense variant. On other transcripts: non-coding transcript variant (4).
Genome position (GRCh38, 1-based): chr11:64,809,790, G>A on the plus strand (C>T on the coding strand, the complement: MEN1 is on the minus strand). VCF-style: chr11-64809790-G-A. GRCh37 (hg19) VCF-style: chr11-64577262-G-A.
Other names: c.320C>T, p.Pro107Leu (NM_000244.4, NM_001370251.2, NM_001370260.2 and 20 more transcripts); short protein forms P107L.
Identifiers: ClinVar variation 2581843 (VCV002581843.4), dbSNP rs2136184136, ClinGen allele CA381187411.

ClinVar aggregate classification (germline): Uncertain significance. Review status: criteria provided, multiple submitters, no conflicts (2 of 4 stars). 2 submissions from 2 submitters: Uncertain significance (2). Last evaluated 2023-03-30.

Conditions:
Multiple endocrine neoplasia, type 1 (MEN1). Also called: MEN I; MEA I; WERMER SYNDROME; Endocrine adenomatosis multiple; MEN 1. Identifiers: Orphanet 652, MedGen C0025267, MeSH D018761, MONDO:0007540, OMIM 131100.

Submissions (2):

GeneDx
Classification: Uncertain significance. Last evaluated: 2023-03-30. Review status: criteria provided, single submitter. Criteria: GeneDx Variant Classification Process June 2021. Collection method: clinical testing. Allele origin: germline. Affected: yes.
Comment: Not observed at significant frequency in large population cohorts (gnomAD); In silico analysis supports that this missense variant has a deleterious effect on protein structure/function; Has not been previously published as pathogenic or benign to our knowledge

Labcorp Genetics (formerly Invitae), Labcorp
Classification: Uncertain significance for Multiple endocrine neoplasia, type 1. Last evaluated: 2023-02-16. Review status: criteria provided, single submitter. Criteria: Invitae Variant Classification Sherloc (09022015). Collection method: clinical testing. Allele origin: germline.
Comment: This sequence change replaces proline, which is neutral and non-polar, with leucine, which is neutral and non-polar, at codon 107 of the MEN1 protein (p.Pro107Leu). This variant is not present in population databases (gnomAD no frequency). This variant has not been reported in the literature in individuals affected with MEN1-related conditions. Advanced modeling of protein sequence and biophysical properties (such as structural, functional, and spatial information, amino acid conservation, physicochemical variation, residue mobility, and thermodynamic stability) performed at Invitae indicates that this missense variant is expected to disrupt MEN1 protein function. In summary, the available evidence is currently insufficient to determine the role of this variant in disease. Therefore, it has been classified as a Variant of Uncertain Significance.